The following is an entry in ClinVar:

NM_001184.4(ATR):c.1529A>G (p.Gln510Arg)

Gene: ATR (ATR serine/threonine kinase; minus strand). Cytogenetic location: 3q23.
Variant type: single nucleotide variant.
Coding change: c.1529A>G on transcript NM_001184.4 (MANE Select); coding-DNA position 1529, A replaced by G.
Protein change: p.Gln510Arg; replaces glutamine 510 with arginine.
Molecular consequence: missense variant. On other transcripts: intron variant (1).
Genome position (GRCh38, 1-based): chr3:142,560,275, T>C on the plus strand (A>G on the coding strand, the complement: ATR is on the minus strand). VCF-style: chr3-142560275-T-C. GRCh37 (hg19) VCF-style: chr3-142279117-T-C.
Other names: c.1350-834A>G (NM_001354579.2); short protein forms Q510R.
Identifiers: ClinVar variation 3463177 (VCV003463177.1).

ClinVar aggregate classification (germline): Uncertain significance (1 of 4 stars; one submission).

Conditions:
Inborn genetic diseases. Identifiers: MedGen C0950123, MeSH D030342.

gnomAD v4.1: 1 of 1,613,786 alleles (0.000062%); highest among the groups gnomAD compares: Non-Finnish European, 0.000085%; no homozygotes.

Submission:

Ambry Genetics
Classification: Uncertain significance for Inborn genetic diseases. Last evaluated: 2024-10-24. Review status: criteria provided, single submitter. Criteria: Ambry Variant Classification Scheme 2023. Collection method: clinical testing. Allele origin: germline.
Comment: The p.Q510R variant (also known as c.1529A>G), located in coding exon 6 of the ATR gene, results from an A to G substitution at nucleotide position 1529. The glutamine at codon 510 is replaced by arginine, an amino acid with highly similar properties. This amino acid position is conserved. In addition, this alteration is predicted to be tolerated by in silico analysis. Based on the available evidence, the clinical significance of this variant remains unclear.